The following is an entry in ClinVar:

NM_000455.5(STK11):c.147C>T (p.Tyr49=)

Gene: STK11 (serine/threonine kinase 11; plus strand). Cytogenetic location: 19p13.3.
Variant type: single nucleotide variant.
Coding change: c.147C>T on transcript NM_000455.5 (MANE Select); coding-DNA position 147, C replaced by T.
Protein change: p.Tyr49=; no amino-acid change (tyrosine 49 retained).
Molecular consequence: synonymous variant.
Genome position (GRCh38, 1-based): chr19:1,207,060, C>T. VCF-style: chr19-1207060-C-T. GRCh37 (hg19) VCF-style: chr19-1207059-C-T.
Identifiers: ClinVar variation 1158028 (VCV001158028.46), dbSNP rs751949296, ClinGen allele CA046366.

ClinVar aggregate classification (germline): Benign/Likely benign. Review status: criteria provided, multiple submitters, no conflicts (2 of 4 stars). 5 submissions from 5 submitters: Benign (1); Likely benign (4). Last evaluated 2025-06-01.

Conditions:
Peutz-Jeghers syndrome (PJS). Also called: Peutz-Jeghers polyposis; Periorificial lentiginosis syndrome; POLYPOSIS, HAMARTOMATOUS INTESTINAL; POLYPS-AND-SPOTS SYNDROME. Identifiers: Orphanet 2869, MedGen C0031269, MeSH D010580, MONDO:0008280, OMIM 175200.
Hereditary cancer-predisposing syndrome. Also called: Tumor predisposition; Hereditary neoplastic syndrome; Hereditary Cancer Syndrome; Neoplastic Syndromes, Hereditary. Identifiers: Orphanet 140162, MedGen C0027672, MeSH D009386, MONDO:0015356.

Allele frequency attached by ClinVar (database versions not stated): gnomAD exomes below 0.00001 and 0.00001; ExAC 0.00001.
gnomAD v4.1: 3 of 1,613,868 alleles (0.00019%); highest among the groups gnomAD compares: Non-Finnish European, 0.00025%; no homozygotes.

Submissions (5):

Labcorp Genetics (formerly Invitae), Labcorp
Classification: Likely benign for Peutz-Jeghers syndrome. Last evaluated: 2025-06-01. Review status: criteria provided, single submitter. Criteria: Invitae Variant Classification Sherloc (09022015). Collection method: clinical testing. Allele origin: germline.

Myriad Genetics, Inc.
Classification: Benign for Peutz-Jeghers syndrome. Last evaluated: 2025-03-25. Review status: criteria provided, single submitter. Criteria: Myriad Autosomal Dominant, Autosomal Recessive and X-Linked Classification Criteria (2023). Collection method: clinical testing. Allele origin: unknown.
Comment: This variant is considered benign. This variant is a silent/synonymous amino acid change and it is not expected to impact splicing.

Ambry Genetics
Classification: Likely benign for Hereditary cancer-predisposing syndrome. Last evaluated: 2022-11-05. Review status: criteria provided, single submitter. Criteria: Ambry Variant Classification Scheme 2023. Collection method: clinical testing. Allele origin: germline.

CeGaT Center for Human Genetics Tuebingen
Classification: Likely benign. Last evaluated: 2021-10-01. Review status: criteria provided, single submitter. Criteria: CeGaT Center For Human Genetics Tuebingen Variant Classification Criteria Version 2. Collection method: clinical testing. Allele origin: germline. Affected: yes. Observed: 1 variant allele.

Color Diagnostics, LLC DBA Color Health
Classification: Likely benign for Hereditary cancer-predisposing syndrome. Last evaluated: 2020-11-23. Review status: criteria provided, single submitter. Criteria: ACMG Guidelines, 2015. Collection method: clinical testing. Allele origin: germline.